The following is an entry in ClinVar:

ClinVar aggregate classification (germline): Pathogenic. Review status: criteria provided, multiple submitters, no conflicts (2 of 4 stars). 2 submissions from 2 submitters: Pathogenic (2). Last evaluated 2019-06-04.

Conditions:
Marfan syndrome (MFS). Also called: Marfan syndrome type 1; Marfan's syndrome; Marfan syndrome, classic; FBN1-Related Marfan Syndrome; MARFAN SYNDROME, TYPE I. Identifiers: Orphanet 284963, Orphanet 558, MedGen C0024796, MONDO:0007947, OMIM 154700.
Familial thoracic aortic aneurysm and aortic dissection (TAAD). Also called: Thoracic aortic aneurysms and dissections. Identifiers: Orphanet 91387, MedGen C4707243, MONDO:0019625.

Submissions (2):

Labcorp Genetics (formerly Invitae), Labcorp
Classification: Pathogenic for Marfan syndrome; Familial thoracic aortic aneurysm and aortic dissection. Last evaluated: 2019-06-04. Review status: criteria provided, single submitter. Criteria: Invitae Variant Classification Sherloc (09022015). Collection method: clinical testing. Allele origin: germline.
Comment: For these reasons, this variant has been classified as Pathogenic. Loss-of-function variants in FBN1 are known to be pathogenic (PMID: 17657824, 19293843). This variant has been observed in an individual affected with Marfan syndrome (PMID: 16222657). This variant is not present in population databases (ExAC no frequency). This sequence change creates a premature translational stop signal (p.Val2018Argfs*13) in the FBN1 gene. It is expected to result in an absent or disrupted protein product.

Clinical Genetics Service, Universitary Hospital 12 de Octubre
Classification: Pathogenic for Marfan syndrome. Review status: criteria provided, single submitter. Criteria: ACMG Guidelines, 2015. Collection method: clinical testing. Allele origin: germline. Affected: yes.

Literature cited by the submitters: PubMed 17657824 (cited by Labcorp Genetics (formerly Invitae), Labcorp); PubMed 19293843 (cited by Labcorp Genetics (formerly Invitae), Labcorp); PubMed 16222657 (cited by Labcorp Genetics (formerly Invitae), Labcorp).

NM_000138.5(FBN1):c.6052_6053del (p.Val2018fs)

Gene: FBN1 (fibrillin 1; minus strand). Cytogenetic location: 15q21.1.
Variant type: Microsatellite.
Coding change: c.6052_6053del on transcript NM_000138.5 (MANE Select); coding-DNA positions 6052 to 6053, 2 bases deleted (GT; older notation c.6052_6053delGT).
Protein change: p.Val2018fs; shifts the reading frame from valine 2018.
Molecular consequence: frameshift variant.
Genome position (GRCh38, 1-based): chr15:48,441,831-48,441,832, AC deleted on the plus strand (GT on the coding strand, the reverse complement: FBN1 is on the minus strand); deleting any 2 consecutive bases within chr15:48,441,831-48,441,836 gives the same sequence; the c. name uses the placement nearest the transcript's 3' end. VCF-style (leftmost placement, unchanged base first): chr15-48441830-GAC-G. GRCh37 (hg19) VCF-style: chr15-48734027-GAC-G.
Other names: short protein forms V2018fs.
Identifiers: ClinVar variation 947962 (VCV000947962.10), dbSNP rs2043117611, ClinGen allele CA2175509144.